The following is an entry in ClinVar:

NM_015338.6(ASXL1):c.2733del (p.Lys912fs)

Gene: ASXL1 (ASXL transcriptional regulator 1; plus strand). Cytogenetic location: 20q11.21.
Variant type: Deletion.
Coding change: c.2733del on transcript NM_015338.6 (MANE Select); coding-DNA position 2733, one base deleted (C; older notation c.2733delC).
Protein change: p.Lys912fs; shifts the reading frame from lysine 912.
Molecular consequence: frameshift variant.
Genome position (GRCh38, 1-based): chr20:32,435,445, C deleted; the last of 3 consecutive C bases (chr20:32,435,443-32,435,445); deleting any one gives the same sequence. VCF-style (leftmost placement, unchanged base first): chr20-32435442-GC-G. GRCh37 (hg19) VCF-style: chr20-31023245-GC-G.
Other names: c.2550del, p.Lys851fs (NM_001363734.1); short protein forms K851fs, K912fs.
Identifiers: ClinVar variation 3319277 (VCV003319277.1).
Genomic context (GRCh38, chr20:32,435,442, plus strand): 5'-CGTTTCTAACAGTTCTTTGCATTGGATACCCATCCCATCGAATGATGAGGTAGTGAAACA[GC>G]CCAAACCAGAATCCAGAGAACACATACCATCTGTTGAGCCCCAGGTTGGAGAGGAGTGGG-3'

ClinVar aggregate classification (germline): Pathogenic (1 of 4 stars; one submission).

Conditions:
Inborn genetic diseases. Identifiers: MedGen C0950123, MeSH D030342.

Submission:

Ambry Genetics
Classification: Pathogenic for Inborn genetic diseases. Last evaluated: 2024-03-26. Review status: criteria provided, single submitter. Criteria: Ambry Variant Classification Scheme 2023. Collection method: clinical testing. Allele origin: germline.
Comment: The c.2733delC (p.K912Nfs*33) alteration, located in exon 13 (coding exon 13) of the ASXL1 gene, consists of a deletion of one nucleotide at position 2733, causing a translational frameshift with a predicted alternate stop codon after 33 amino acids. This alteration occurs at the 3' terminus of the ASXL1 gene, is not expected to trigger nonsense-mediated mRNA decay, and impacts the last 40.9% of the protein. Premature stop codons are typically deleterious in nature. The impacted region is critical for protein function and a significant portion of the protein is affected (Ambry internal data). This variant was not reported in population-based cohorts in the Genome Aggregation Database (gnomAD). Based on the available evidence, this alteration is classified as pathogenic.